The following is an entry in ClinVar:

NM_002047.4(GARS1):c.428-320G>T

Gene: GARS1 (glycyl-tRNA synthetase 1; plus strand). Cytogenetic location: 7p14.3.
Variant type: single nucleotide variant.
Coding change: c.428-320G>T on transcript NM_002047.4 (MANE Select); 320 bases into the intron before coding-DNA position 428, G replaced by T.
Molecular consequence: intron variant.
Genome position (GRCh38, 1-based): chr7:30,600,739, G>T. VCF-style: chr7-30600739-G-T. GRCh37 (hg19) VCF-style: chr7-30640355-G-T.
Other names: c.266-320G>T (NM_001316772.1).
Identifiers: ClinVar variation 683988 (VCV000683988.1), dbSNP rs2709806, ClinGen allele CA12502198.

ClinVar aggregate classification (germline): Benign (1 of 4 stars; one submission).

Allele frequency attached by ClinVar (database versions not stated): gnomAD 0.19397 and 0.19520; TOPMed 0.20806; 1000 Genomes Project 0.22324; 1000 Genomes Project 30x 0.22580.
gnomAD v4.1: 29,503 of 152,072 alleles (19%); highest among the groups gnomAD compares: African/African-American, 35%; 3,646 homozygotes.

Submission:

GeneDx
Classification: Benign. Last evaluated: 2018-06-14. Review status: criteria provided, single submitter. Criteria: GeneDx Variant Classification (06012015). Collection method: clinical testing. Allele origin: germline. Affected: yes.
Comment: This variant is considered likely benign or benign based on one or more of the following criteria: it is a conservative change, it occurs at a poorly conserved position in the protein, it is predicted to be benign by multiple in silico algorithms, and/or has population frequency not consistent with disease.